The following is an entry in ClinVar:

ClinVar aggregate classification (germline): Uncertain significance (1 of 4 stars; one submission).

Conditions:
Oxoglutaricaciduria. Identifiers: Orphanet 31, MedGen C2752074, MONDO:0008759, OMIM 203740.

Submission:

Labcorp Genetics (formerly Invitae), Labcorp
Classification: Uncertain significance for Oxoglutaricaciduria. Last evaluated: 2023-08-10. Review status: criteria provided, single submitter. Criteria: Invitae Variant Classification Sherloc (09022015). Collection method: clinical testing. Allele origin: germline.
Comment: In summary, the available evidence is currently insufficient to determine the role of this variant in disease. Therefore, it has been classified as a Variant of Uncertain Significance. Advanced modeling of protein sequence and biophysical properties (such as structural, functional, and spatial information, amino acid conservation, physicochemical variation, residue mobility, and thermodynamic stability) performed at Invitae indicates that this missense variant is not expected to disrupt OGDH protein function. ClinVar contains an entry for this variant (Variation ID: 1993762). This variant has not been reported in the literature in individuals affected with OGDH-related conditions. This variant is not present in population databases (gnomAD no frequency). This sequence change replaces serine, which is neutral and polar, with cysteine, which is neutral and slightly polar, at codon 606 of the OGDH protein (p.Ser606Cys).

NM_002541.4(OGDH):c.1817C>G (p.Ser606Cys)

Gene: OGDH (oxoglutarate dehydrogenase; plus strand). Cytogenetic location: 7p13.
Variant type: single nucleotide variant.
Coding change: c.1817C>G on transcript NM_002541.4 (MANE Select); coding-DNA position 1817, C replaced by G.
Protein change: p.Ser606Cys; replaces serine 606 with cysteine.
Molecular consequence: missense variant.
Genome position (GRCh38, 1-based): chr7:44,696,474, C>G. VCF-style: chr7-44696474-C-G. GRCh37 (hg19) VCF-style: chr7-44736073-C-G.
Other names: c.1805C>G, p.Ser602Cys (NM_001165036.2); c.1850C>G, p.Ser617Cys (NM_001363523.2); short protein forms S606C, S617C, S602C.
Identifiers: ClinVar variation 1993762 (VCV001993762.4), dbSNP rs2484952964, ClinGen allele CA367404488.